The following is an entry in ClinVar:

NM_000540.3(RYR1):c.8005G>A (p.Glu2669Lys)

Gene: RYR1 (ryanodine receptor 1; plus strand). Cytogenetic location: 19q13.2.
Variant type: single nucleotide variant.
Coding change: c.8005G>A on transcript NM_000540.3 (MANE Select); coding-DNA position 8005, G replaced by A.
Protein change: p.Glu2669Lys; replaces glutamic acid 2669 with lysine.
Molecular consequence: missense variant.
Genome position (GRCh38, 1-based): chr19:38,504,298, G>A. VCF-style: chr19-38504298-G-A. GRCh37 (hg19) VCF-style: chr19-38994938-G-A.
Other names: NM_000540.3(RYR1):c.8005G>A; p.(Glu2669Lys); NM_001042723.2:c.8005G>A; c.8005G>A, p.Glu2669Lys (NM_001042723.2); short protein forms E2669K.
Identifiers: ClinVar variation 1330359 (VCV001330359.3), dbSNP rs2145626689, ClinGen allele CA405675895.
Genomic context (GRCh38, chr19:38,504,298, plus strand): 5'-GAGCGCTGTTGGAAGTACTACTGCCTACCCACGGGCTGGGCCAACTTCGGGGTCACCTCA[G>A]AGGAGGAGCTGCACCTCACACGGAAACTCTTCTGGGGCATCTTTGACTCTCTGGCCCATA-3'
Protein context (NP_000531.2, residues 2659-2679): TGWANFGVTS[Glu2669Lys]EELHLTRKLF

ClinVar aggregate classification (germline): Uncertain significance (3 of 4 stars; one submission).

Conditions:
Malignant hyperthermia of anesthesia. Also called: Anesthesic-triggered malignant hyperthermia. Identifiers: Orphanet 423, MedGen C0024591, MONDO:0018493, HP:0034733.

Submission:

ClinGen Malignant Hyperthermia Susceptibility Variant Curation Expert Panel, ClinGen
Classification: Uncertain significance for Malignant hyperthermia of anesthesia. Last evaluated: 2025-08-01. Review status: reviewed by expert panel. Criteria: ClinGen MHS ACMG Specifications V2. Collection method: curation. Allele origin: germline. Inheritance: Autosomal dominant inheritance.
Comment: This pathogenicity assessment is relevant only for malignant hyperthermia susceptibility (MHS) inherited in an autosomal dominant pattern. Variants in RYR1 can also cause other myopathies inherited in an autosomal dominant pattern or in an autosomal recessive pattern. Some of these disorders may predispose individuals to malignant hyperthermia. RYR1 variants may also contribute to a malignant hyperthermia reaction in combination with other genetic and non-genetic factors and the clinician needs to consider such factors in making management decisions. This sequence variant predicts a substitution of glutamic acid with lysine at codon 2669 of the RYR1 protein, p.(Glu2669Lys). This variant was not present in a large population database (gnomAD) at the time this variant was interpreted. This variant has been reported in an individual with a personal or family history of an MH episode without in vitro contracture test (IVCT) or caffeine halothane contracture test (CHCT) results (PMID:21157159), PS4 was not implemented. No functional studies were identified for this variant. This variant does not reside in a hotspot for pathogenic variants that contribute to MHS. A REVEL score of 0.82 supports neither a pathogenic nor a benign status for this variant. This variant has been classified as a Variant of Unknown Significance. No criteria implemented.